The following is an entry in ClinVar:

NM_001041.4(SI):c.3560_3561del (p.Thr1187fs)

Gene: SI (sucrase-isomaltase; minus strand). Cytogenetic location: 3q26.1.
Variant type: Deletion.
Coding change: c.3560_3561del on transcript NM_001041.4 (MANE Select); coding-DNA positions 3560 to 3561, 2 bases deleted (CA; older notation c.3560_3561delCA).
Protein change: p.Thr1187fs; shifts the reading frame from threonine 1187.
Molecular consequence: frameshift variant.
Genome position (GRCh38, 1-based): chr3:165,017,833-165,017,834, TG deleted on the plus strand (CA on the coding strand, the reverse complement: SI is on the minus strand); deleting any 2 consecutive bases within chr3:165,017,833-165,017,835 gives the same sequence; the c. name uses the placement nearest the transcript's 3' end. VCF-style (leftmost placement, unchanged base first): chr3-165017832-CTG-C. GRCh37 (hg19) VCF-style: chr3-164735620-CTG-C.
Other names: short protein forms T1187fs.
Identifiers: ClinVar variation 3723447 (VCV003723447.2).
Genomic context (GRCh38, chr3:165,017,832, plus strand): 5'-GCTTTGTTGCAACTTCTGGAGTTGGGCCCAAAAACATATAAAAATCCAAGATCCCTCCAA[CTG>C]TACGGTAAGTTAGAGCAGGAGTTGGCTGGAATGTAACATCTGGAAATCCAAAATAACATC-3'

ClinVar aggregate classification (germline): Pathogenic (1 of 4 stars; one submission).

Submission:

Labcorp Genetics (formerly Invitae), Labcorp
Classification: Pathogenic. Last evaluated: 2024-10-21. Review status: criteria provided, single submitter. Criteria: Invitae Variant Classification Sherloc (09022015). Collection method: clinical testing. Allele origin: germline.
Comment: This sequence change creates a premature translational stop signal (p.Thr1187Serfs*24) in the SI gene. It is expected to result in an absent or disrupted protein product. Loss-of-function variants in SI are known to be pathogenic (PMID: 16329100, 23103650, 25452324). This variant is not present in population databases (gnomAD no frequency). This variant has not been reported in the literature in individuals affected with SI-related conditions. Algorithms developed to predict the effect of sequence changes on RNA splicing suggest that this variant may disrupt the consensus splice site. For these reasons, this variant has been classified as Pathogenic.

Literature cited by the submitters: PubMed 16329100; PubMed 23103650; PubMed 25452324.